The following is an entry in ClinVar:

ClinVar aggregate classification (germline): Uncertain significance (1 of 4 stars; one submission).

Conditions:
Peroxisome biogenesis disorder 3A (Zellweger). Also called: Peroxisome biogenesis disorder 3A; PEROXISOMAL BIOGENESIS DISORDER 3A (ZELLWEGER). Identifiers: Orphanet 912, MedGen C3553929, MONDO:0013927, OMIM 614859.

Submission:

Labcorp Genetics (formerly Invitae), Labcorp
Classification: Uncertain significance for Peroxisome biogenesis disorder 3A (Zellweger). Last evaluated: 2023-12-11. Review status: criteria provided, single submitter. Criteria: Invitae Variant Classification Sherloc (09022015). Collection method: clinical testing. Allele origin: germline.
Comment: This sequence change replaces proline, which is neutral and non-polar, with serine, which is neutral and polar, at codon 305 of the PEX12 protein (p.Pro305Ser). This variant is not present in population databases (gnomAD no frequency). This variant has not been reported in the literature in individuals affected with PEX12-related conditions. ClinVar contains an entry for this variant (Variation ID: 1405550). Advanced modeling of protein sequence and biophysical properties (such as structural, functional, and spatial information, amino acid conservation, physicochemical variation, residue mobility, and thermodynamic stability) performed at Invitae indicates that this missense variant is expected to disrupt PEX12 protein function with a positive predictive value of 80%. In summary, the available evidence is currently insufficient to determine the role of this variant in disease. Therefore, it has been classified as a Variant of Uncertain Significance.

NM_000286.3(PEX12):c.913C>T (p.Pro305Ser)

Gene: PEX12 (peroxisomal biogenesis factor 12; minus strand). Cytogenetic location: 17q12.
Variant type: single nucleotide variant.
Coding change: c.913C>T on transcript NM_000286.3 (MANE Select); coding-DNA position 913, C replaced by T.
Protein change: p.Pro305Ser; replaces proline 305 with serine.
Molecular consequence: missense variant.
Genome position (GRCh38, 1-based): chr17:35,575,949, G>A on the plus strand (C>T on the coding strand, the complement: PEX12 is on the minus strand). VCF-style: chr17-35575949-G-A. GRCh37 (hg19) VCF-style: chr17-33902968-G-A.
Other names: short protein forms P305S.
Identifiers: ClinVar variation 1405550 (VCV001405550.5), dbSNP rs1444133628, ClinGen allele CA399137109.